The following is an entry in ClinVar:

NM_001009944.3(PKD1):c.4835C>T (p.Thr1612Met)

Gene: PKD1 (polycystin 1, transient receptor potential channel interacting; minus strand). Cytogenetic location: 16p13.3.
Variant type: single nucleotide variant.
Coding change: c.4835C>T on transcript NM_001009944.3 (MANE Select); coding-DNA position 4835, C replaced by T.
Protein change: p.Thr1612Met; replaces threonine 1612 with methionine.
Molecular consequence: missense variant.
Genome position (GRCh38, 1-based): chr16:2,110,332, G>A on the plus strand (C>T on the coding strand, the complement: PKD1 is on the minus strand). VCF-style: chr16-2110332-G-A. GRCh37 (hg19) VCF-style: chr16-2160333-G-A.
Other names: c.4835C>T, p.Thr1612Met (NM_000296.4); c.4835C>T (NM_001009944.2); short protein forms T1612M.
Identifiers: ClinVar variation 440129 (VCV000440129.17), dbSNP rs767665300, ClinGen allele CA7832228.

ClinVar aggregate classification (germline): Uncertain significance. Review status: criteria provided, multiple submitters, no conflicts (2 of 4 stars). 6 submissions from 6 submitters: Uncertain significance (6). Last evaluated 2026-08-06.

Conditions:
PKD1-related disorder. Also called: PKD1-related condition.
Polycystic kidney disease, adult type (PKD1). Also called: POLYCYSTIC KIDNEY DISEASE 1 WITH OR WITHOUT POLYCYSTIC LIVER DISEASE; POLYCYSTIC KIDNEY DISEASE, ADULT, TYPE I; Polycystic Kidney Disease 1, Autosomal Dominant; Polycystic kidney disease 1; Polycystic kidney disease 1, severe; Polycystic Kidney, Autosomal Dominant. Identifiers: MedGen C3149841, MONDO:0008263, OMIM 173900.

Allele frequency attached by ClinVar (database versions not stated): TOPMed 0.00006; ExAC 0.00008; gnomAD exomes 0.00008; gnomAD 0.00011.
gnomAD v4.1: 155 of 1,612,550 alleles (0.0096%); highest among the groups gnomAD compares: Middle Eastern, 0.049%; no homozygotes.

Submissions (6):

PreventionGenetics, part of Exact Sciences
Classification: Uncertain significance for PKD1-related condition. Last evaluated: 2026-08-06. Review status: criteria provided, single submitter. Criteria: ACMG Guidelines, 2015. Collection method: clinical testing. Allele origin: germline.
Comment: The PKD1 c.4835C>T variant is predicted to result in the amino acid substitution p.Thr1612Met. This variant was reported in an individual with post chemotherapy cystic kidney disease, and in an individual with heritable connective tissue disorder (HCTD) (Watson et al. 2025. PubMed ID: 39888183; Veatch et al. 2022. PubMed ID: 35918752). This variant is reported in 0.018% of alleles in individuals of European (non-Finnish) descent in gnomAD and is consistently interpreted as uncertain in ClinVar (Variation ID: 440129). Although we suspect that this variant may be benign, at this time, the clinical significance of this variant is uncertain due to the absence of conclusive functional and genetic evidence.

Women's Health and Genetics/Laboratory Corporation of America, LabCorp
Classification: Uncertain significance. Last evaluated: 2026-06-15. Review status: criteria provided, single submitter. Criteria: LabCorp Variant Classification Summary - May 2015. Collection method: clinical testing. Allele origin: germline.
Comment: Variant summary: PKD1 c.4835C>T (p.Thr1612Met) results in a non-conservative amino acid change in the encoded protein sequence. Algorithms developed to predict the effect of missense changes on protein structure and function are either unavailable or do not agree on the potential impact of this missense change. The variant allele was found at a frequency of 8.4e-05 in 249504 control chromosomes (gnomAD). This frequency is not significantly higher than estimated for disease-causing variants in PKD1, allowing no conclusion about variant significance. c.4835C>T has been observed in heterozygous individuals affected with clinical features of Polycystic Kidney Disease 1 (Eisenberger_2015, Rasouly_2019, Nigro_2023, Cristalli_2025, Condello_2025, Aypek_2025, Watson_2025) without strong evidence for causality. These data do not allow any conclusion about variant significance. To our knowledge, no experimental evidence demonstrating an impact on protein function has been reported. The following publications have been ascertained in the context of this evaluation (PMID: 25646624, 37372416, 30476936, 35918752, 40428294, 41195291, 41032671, 39888183). ClinVar contains an entry for this variant (Variation ID: 440129). Based on the evidence outlined above, the variant was classified as uncertain significance.

GeneDx
Classification: Uncertain significance. Last evaluated: 2025-03-11. Review status: criteria provided, single submitter. Criteria: GeneDx Variant Classification Process June 2021. Collection method: clinical testing. Allele origin: germline. Affected: yes.
Comment: Reported in a patient with polycystic kidney disease in published literature (PMID: 25646624); clinical information is limited; In silico analysis supports that this missense variant has a deleterious effect on protein structure/function; This variant is associated with the following publications: (PMID: 34426522, 35903967, 30476936, 25646624, 37372416)

Fulgent Genetics
Classification: Uncertain significance for Polycystic kidney disease, adult type. Last evaluated: 2024-03-26. Review status: criteria provided, single submitter. Criteria: ACMG Guidelines, 2015. Collection method: clinical testing. Allele origin: germline.

Department of Pathology and Laboratory Medicine, Sinai Health System
Classification: Uncertain significance for Polycystic kidney disease, adult type. Last evaluated: 2021-09-27. Review status: criteria provided, single submitter. Criteria: ACMG Guidelines, 2015. Collection method: clinical testing. Allele origin: germline.

ARUP Laboratories, Molecular Genetics and Genomics, ARUP Laboratories
Classification: Uncertain significance. Last evaluated: 2017-02-22. Review status: criteria provided, single submitter. Criteria: ARUP Molecular Germline Variant Investigation Process. Collection method: clinical testing. Allele origin: germline.

Literature cited by the submitters: PubMed 25646624 (cited by Women's Health and Genetics/Laboratory Corporation of America, LabCorp); PubMed 30476936 (cited by Women's Health and Genetics/Laboratory Corporation of America, LabCorp); PubMed 35918752 (cited by Women's Health and Genetics/Laboratory Corporation of America, LabCorp); PubMed 37372416 (cited by Women's Health and Genetics/Laboratory Corporation of America, LabCorp); PubMed 39888183 (cited by Women's Health and Genetics/Laboratory Corporation of America, LabCorp); PubMed 40428294 (cited by Women's Health and Genetics/Laboratory Corporation of America, LabCorp); PubMed 41195291 (cited by Women's Health and Genetics/Laboratory Corporation of America, LabCorp); PubMed 41032671 (cited by Women's Health and Genetics/Laboratory Corporation of America, LabCorp).